The following is an entry in ClinVar:

NM_012073.5(CCT5):c.167-13C>G

Gene: CCT5 (chaperonin containing TCP1 subunit 5; plus strand). Cytogenetic location: 5p15.2.
Variant type: single nucleotide variant.
Coding change: c.167-13C>G on transcript NM_012073.5 (MANE Select); 13 bases into the intron before coding-DNA position 167, C replaced by G.
Molecular consequence: intron variant.
Genome position (GRCh38, 1-based): chr5:10,254,661, C>G. VCF-style: chr5-10254661-C-G. GRCh37 (hg19) VCF-style: chr5-10254773-C-G.
Other names: c.104-13C>G (NM_001306153.1); c.166+456C>G (NM_001306154.2); c.53-13C>G (NM_001306156.2); c.52+456C>G (NM_001306155.2).
Identifiers: ClinVar variation 2726562 (VCV002726562.3), dbSNP rs774789144, ClinGen allele CA3198016.

ClinVar aggregate classification (germline): Uncertain significance (1 of 4 stars; one submission).

Conditions:
Hereditary sensory and autonomic neuropathy with spastic paraplegia (HSNSP). Identifiers: Orphanet 139578, MedGen C1850395, MONDO:0009748, OMIM 256840.

gnomAD v4.1: 3 of 1,613,494 alleles (0.00019%); highest among the groups gnomAD compares: Non-Finnish European, 0.00025%; no homozygotes.

Submission:

Labcorp Genetics (formerly Invitae), Labcorp
Classification: Uncertain significance for Hereditary sensory and autonomic neuropathy with spastic paraplegia. Last evaluated: 2023-06-28. Review status: criteria provided, single submitter. Criteria: Invitae Variant Classification Sherloc (09022015). Collection method: clinical testing. Allele origin: germline.
Comment: This sequence change falls in intron 2 of the CCT5 gene. It does not directly change the encoded amino acid sequence of the CCT5 protein. This variant is present in population databases (rs774789144, gnomAD 0.0009%). In summary, the available evidence is currently insufficient to determine the role of this variant in disease. Therefore, it has been classified as a Variant of Uncertain Significance. Algorithms developed to predict the effect of sequence changes on RNA splicing suggest that this variant may create or strengthen a splice site. This variant has not been reported in the literature in individuals affected with CCT5-related conditions.